The following is an entry in ClinVar:

NM_004522.3(KIF5C):c.820-13T>C

Gene: KIF5C (kinesin family member 5C; plus strand). Cytogenetic location: 2q23.1.
Variant type: single nucleotide variant.
Coding change: c.820-13T>C on transcript NM_004522.3 (MANE Select); 13 bases into the intron before coding-DNA position 820, T replaced by C.
Molecular consequence: intron variant.
Genome position (GRCh38, 1-based): chr2:148,950,301, T>C. VCF-style: chr2-148950301-T-C. GRCh37 (hg19) VCF-style: chr2-149806815-T-C.
Identifiers: ClinVar variation 2581664 (VCV002581664.1), dbSNP rs754795622, ClinGen allele CA1901329.

ClinVar aggregate classification (germline): Likely benign (1 of 4 stars; one submission).

Allele frequency attached by ClinVar (database versions not stated): gnomAD exomes 0.00001; ExAC 0.00002.
gnomAD v4.1: 5 of 1,611,834 alleles (0.00031%); highest among the groups gnomAD compares: African/African-American, 0.0027%; no homozygotes.

Submission:

Women's Health and Genetics/Laboratory Corporation of America, LabCorp
Classification: Likely benign. Last evaluated: 2023-08-11. Review status: criteria provided, single submitter. Criteria: LabCorp Variant Classification Summary - May 2015. Collection method: clinical testing. Allele origin: germline.
Comment: Variant summary: KIF5C c.820-13T>C alters a non-conserved nucleotide located at a position not widely known to affect splicing. 3/4 computational tools predict no significant impact on normal splicing and 1/4 predict the variant weakens a canonical 3' splice acceptor site. However, these predictions have yet to be confirmed by functional studies. The variant allele was found at a frequency of 8.1e-06 in 248204 control chromosomes (gnomAD). The available data on variant occurrences in the general population are insufficient to allow any conclusion about variant significance. To our knowledge, no occurrence of c.820-13T>C in individuals affected with Complex Cortical Dysplasia With Other Brain Malformations 2 and no experimental evidence demonstrating its impact on protein function have been reported. No submitters have cited clinical-significance assessments for this variant to ClinVar after 2014. Based on the evidence outlined above, the variant was classified as likely benign.